The following is an entry in ClinVar:

ClinVar aggregate classification (germline): Likely benign (1 of 4 stars; one submission).

Conditions:
Hypertrophic cardiomyopathy. Also called: HYPERTROPHIC MYOCARDIOPATHY. Identifiers: Orphanet 217569, MedGen C0007194, MeSH D002312, MONDO:0005045, HP:0001639.

Allele frequency attached by ClinVar (database versions not stated): gnomAD 0.00001.

Submission:

All of Us Research Program, National Institutes of Health
Classification: Likely benign for Hypertrophic cardiomyopathy. Last evaluated: 2023-11-02. Review status: criteria provided, single submitter. Criteria: ACMG Guidelines, 2015. Collection method: clinical testing. Allele origin: germline. Inheritance: Autosomal dominant inheritance. Observed: 2 variant alleles, 2 heterozygotes.
Comment: This study involves interpretation of variants in research participants for the purpose of population health screening. Participant phenotype was not available at the time of variant classification. Additional details can be found in publication PMID: 35346344, PMCID: PMC8962531

NM_000256.3(MYBPC3):c.3270G>A (p.Gln1090=)

Gene: MYBPC3 (myosin binding protein C3; minus strand). Cytogenetic location: 11p11.2.
Variant type: single nucleotide variant.
Coding change: c.3270G>A on transcript NM_000256.3 (MANE Select); coding-DNA position 3270, G replaced by A.
Protein change: p.Gln1090=; no amino-acid change (glutamine 1090 retained).
Molecular consequence: synonymous variant.
Genome position (GRCh38, 1-based): chr11:47,333,254, C>T on the plus strand (G>A on the coding strand, the complement: MYBPC3 is on the minus strand). VCF-style: chr11-47333254-C-T. GRCh37 (hg19) VCF-style: chr11-47354805-C-T.
Identifiers: ClinVar variation 3072011 (VCV003072011.1), dbSNP rs1595841539, ClinGen allele CA474212182.